The following is an entry in ClinVar:

ClinVar aggregate classification (germline): Uncertain significance. Review status: criteria provided, multiple submitters, no conflicts (2 of 4 stars). 2 submissions from 2 submitters: Uncertain significance (2). Last evaluated 2026-09-01.

Conditions:
Adult hypophosphatasia. Identifiers: Orphanet 247676, Orphanet 436, MedGen C0268413, MONDO:1010154, OMIM 146300, MONDO:0007798.
Hypophosphatasia. Also called: Phosphoethanol-aminuria. Identifiers: Orphanet 436, MedGen C0020630, MeSH D007014, MONDO:0018570.

Allele frequency attached by ClinVar (database versions not stated): gnomAD exomes below 0.00001.
gnomAD v4.1: 2 of 1,604,500 alleles (0.00012%); highest among the groups gnomAD compares: South Asian, 0.0022%; no homozygotes.

Submissions (2):

Genomenon, Inc
Classification: Uncertain significance for Hypophosphatasia. Last evaluated: 2026-09-01. Review status: criteria provided, single submitter. Criteria: Genomenon Sequence Variant Interpretation Standards - Updated. Collection method: curation. Allele origin: germline. Affected: yes.
Comment: ALPL c.297G>A is a synonymous variant that retains Lysine at codon 99. This variant has been observed in at least one proband affected with an ALPL-related disorder (PMID:39685776). It is absent or not present at a significant frequency in gnomAD. In silico models predict that this variant is possibly or probably damaging. In conclusion, we classify ALPL p.Lys99= (c.297G>A) as a variant of uncertain significance.

Institute of Human Genetics, University of Leipzig Medical Center
Classification: Uncertain significance for Adult hypophosphatasia. Last evaluated: 2018-01-18. Review status: criteria provided, single submitter. Criteria: ACMG Guidelines, 2015. Collection method: clinical testing. Allele origin: germline. Affected: yes. Observed: 1 variant allele.

Literature cited by the submitters: PubMed 39685776 (cited by Genomenon, Inc).

NM_000478.6(ALPL):c.297G>A (p.Lys99=)

Gene: ALPL (alkaline phosphatase, biomineralization associated; plus strand). Cytogenetic location: 1p36.12.
Variant type: single nucleotide variant.
Coding change: c.297G>A on transcript NM_000478.6 (MANE Select); coding-DNA position 297, G replaced by A.
Protein change: p.Lys99=; no amino-acid change (lysine 99 retained).
Molecular consequence: synonymous variant. On other transcripts: intron variant (1).
Genome position (GRCh38, 1-based): chr1:21,561,212, G>A. VCF-style: chr1-21561212-G-A. GRCh37 (hg19) VCF-style: chr1-21887705-G-A.
Other names: c.132G>A, p.Lys44= (NM_001127501.4); c.297G>A, p.Lys99= (NM_001369803.2, NM_001369804.2, NM_001369805.2); c.66+467G>A (NM_001177520.3).
Identifiers: ClinVar variation 976088 (VCV000976088.2), dbSNP rs1314719242, ClinGen allele CA416534153.